The following is an entry in ClinVar:

ClinVar aggregate classification (germline): Uncertain significance (1 of 4 stars; one submission).

Conditions:
Ehlers-Danlos syndrome, dermatosparaxis type. Also called: Dermatosparaxis; Ehlers-Danlos syndrome, type VII, autosomal recessive; EDS VIIC. Identifiers: Orphanet 1901, MedGen C2700425, MONDO:0009161, OMIM 225410.

Submission:

Labcorp Genetics (formerly Invitae), Labcorp
Classification: Uncertain significance for Ehlers-Danlos syndrome, dermatosparaxis type. Last evaluated: 2022-03-17. Review status: criteria provided, single submitter. Criteria: Invitae Variant Classification Sherloc (09022015). Collection method: clinical testing. Allele origin: germline.
Comment: This variant has not been reported in the literature in individuals affected with ADAMTS2-related conditions. In summary, the available evidence is currently insufficient to determine the role of this variant in disease. Therefore, it has been classified as a Variant of Uncertain Significance. Algorithms developed to predict the effect of missense changes on protein structure and function are either unavailable or do not agree on the potential impact of this missense change (SIFT: "Deleterious"; PolyPhen-2: "Possibly Damaging"; Align-GVGD: "Class C0"). This variant is not present in population databases (gnomAD no frequency). This sequence change replaces proline, which is neutral and non-polar, with arginine, which is basic and polar, at codon 98 of the ADAMTS2 protein (p.Pro98Arg).

NM_014244.5(ADAMTS2):c.293C>G (p.Pro98Arg)

Gene: ADAMTS2 (ADAM metallopeptidase with thrombospondin type 1 motif 2; minus strand). Cytogenetic location: 5q35.3.
Variant type: single nucleotide variant.
Coding change: c.293C>G on transcript NM_014244.5 (MANE Select); coding-DNA position 293, C replaced by G.
Protein change: p.Pro98Arg; replaces proline 98 with arginine.
Molecular consequence: missense variant.
Genome position (GRCh38, 1-based): chr5:179,344,008, G>C on the plus strand (C>G on the coding strand, the complement: ADAMTS2 is on the minus strand). VCF-style: chr5-179344008-G-C. GRCh37 (hg19) VCF-style: chr5-178771009-G-C.
Other names: c.293C>G, p.Pro98Arg (NM_021599.4); short protein forms P98R.
Identifiers: ClinVar variation 2172275 (VCV002172275.3), dbSNP rs966055187, ClinGen allele CA133085877.